The following is an entry in ClinVar:

ClinVar aggregate classification (germline): Uncertain significance (1 of 4 stars; one submission).

Submission:

Labcorp Genetics (formerly Invitae), Labcorp
Classification: Uncertain significance. Last evaluated: 2025-11-03. Review status: criteria provided, single submitter. Criteria: Invitae Variant Classification Sherloc (09022015). Collection method: clinical testing. Allele origin: germline.
Comment: This sequence change affects codon 272 of the RNF113A mRNA. It is a 'silent' change, meaning that it does not change the encoded amino acid sequence of the RNF113A protein. This variant is present in population databases (no rsID available, gnomAD 0.009%). This variant has not been reported in the literature in individuals affected with RNF113A-related conditions. In summary, the available evidence is currently insufficient to determine the role of this variant in disease. Therefore, it has been classified as a Variant of Uncertain Significance.

NM_006978.3(RNF113A):c.816A>T (p.Pro272=)

Gene: RNF113A (ring finger protein 113A; minus strand). Cytogenetic location: Xq24.
Variant type: single nucleotide variant.
Coding change: c.816A>T on transcript NM_006978.3 (MANE Select); coding-DNA position 816, A replaced by T.
Protein change: p.Pro272=; no amino-acid change (proline 272 retained).
Molecular consequence: synonymous variant.
Genome position (GRCh38, 1-based): chrX:119,870,798, T>A on the plus strand (A>T on the coding strand, the complement: RNF113A is on the minus strand). VCF-style: chrX-119870798-T-A. GRCh37 (hg19) VCF-style: chrX-119004761-T-A.
Identifiers: ClinVar variation 4760873 (VCV004760873.1).